The following is an entry in ClinVar:

NM_001854.4(COL11A1):c.3227G>A (p.Arg1076His)

Gene: COL11A1 (collagen type XI alpha 1 chain; minus strand). Cytogenetic location: 1p21.1.
Variant type: single nucleotide variant.
Coding change: c.3227G>A on transcript NM_001854.4 (MANE Select); coding-DNA position 3227, G replaced by A.
Protein change: p.Arg1076His; replaces arginine 1076 with histidine.
Molecular consequence: missense variant. On other transcripts: non-coding transcript variant (1).
Genome position (GRCh38, 1-based): chr1:102,946,898, C>T on the plus strand (G>A on the coding strand, the complement: COL11A1 is on the minus strand). VCF-style: chr1-102946898-C-T. GRCh37 (hg19) VCF-style: chr1-103412454-C-T.
Other names: c.3110G>A, p.Arg1037His (NM_001190709.2); c.3263G>A, p.Arg1088His (NM_080629.3); c.2879G>A, p.Arg960His (NM_080630.4); short protein forms R1037H, R1076H, R1088H, R960H.
Identifiers: ClinVar variation 1204733 (VCV001204733.21), dbSNP rs148464130, ClinGen allele CA974093.

ClinVar aggregate classification (germline): Conflicting classifications of pathogenicity. Review status: criteria provided, conflicting classifications (1 of 4 stars). 7 submissions from 7 submitters: Uncertain significance (6); Benign (1). Last evaluated 2026-08-01.

Conditions:
Inborn genetic diseases. Identifiers: MedGen C0950123, MeSH D030342.
COL11A1-related disorder. Also called: COL11A1-related disorders; COL11A1-related condition.

Allele frequency attached by ClinVar (database versions not stated): ExAC 0.00002; gnomAD 0.00004; TOPMed 0.00007; ESP Exome Variant Server 0.00008; 1000 Genomes Project 30x 0.00016; 1000 Genomes Project 0.00020.
gnomAD v4.1: 97 of 1,613,580 alleles (0.006%); highest among the groups gnomAD compares: Admixed American, 0.0083%; no homozygotes.

Submissions (7):

CeGaT Center for Human Genetics Tuebingen
Classification: Uncertain significance. Last evaluated: 2026-08-01. Review status: criteria provided, single submitter. Criteria: CeGaT Center For Human Genetics Tuebingen Variant Classification Criteria Version 2. Collection method: clinical testing. Allele origin: germline. Affected: yes. Observed: 1 variant allele.
Comment: COL11A1: PM2, PP3

Labcorp Genetics (formerly Invitae), Labcorp
Classification: Benign. Last evaluated: 2025-12-30. Review status: criteria provided, single submitter. Criteria: Invitae Variant Classification Sherloc (09022015). Collection method: clinical testing. Allele origin: germline.

PreventionGenetics, part of Exact Sciences
Classification: Uncertain significance for COL11A1-related condition. Last evaluated: 2025-10-08. Review status: criteria provided, single submitter. Criteria: ACMG Guidelines, 2015. Collection method: clinical testing. Allele origin: germline.
Comment: The COL11A1 c.3227G>A variant is predicted to result in the amino acid substitution p.Arg1076His. To our knowledge, this variant has not been reported in the literature. This variant is reported in 0.0085% of alleles in individuals of Latino descent in gnomAD. Although we suspect that this variant may be benign, at this time its clinical significance is uncertain due to the absence of conclusive functional and genetic evidence.

GeneDx
Classification: Uncertain significance. Last evaluated: 2025-06-27. Review status: criteria provided, single submitter. Criteria: GeneDx Variant Classification Process June 2021. Collection method: clinical testing. Allele origin: germline. Affected: yes.
Comment: Has not been previously published as pathogenic or benign to our knowledge; In silico analysis supports that this missense variant has a deleterious effect on protein structure/function

Blueprint Genetics
Classification: Uncertain significance. Last evaluated: 2024-05-27. Review status: criteria provided, single submitter. Criteria: ACMG Guidelines, 2015. Collection method: clinical testing. Allele origin: germline.

Ambry Genetics
Classification: Uncertain significance for Inborn genetic diseases. Last evaluated: 2024-01-19. Review status: criteria provided, single submitter. Criteria: Ambry Variant Classification Scheme 2023. Collection method: clinical testing. Allele origin: germline.

Revvity Omics, Revvity
Classification: Uncertain significance. Last evaluated: 2021-08-03. Review status: criteria provided, single submitter. Criteria: ACMG Guidelines, 2015. Collection method: clinical testing. Allele origin: germline.